The following is an entry in ClinVar:

ClinVar aggregate classification (germline): Uncertain significance. Review status: criteria provided, multiple submitters, no conflicts (2 of 4 stars). 2 submissions from 2 submitters: Uncertain significance (2). Last evaluated 2026-01-01.

Submissions (2):

CeGaT Center for Human Genetics Tuebingen
Classification: Uncertain significance. Last evaluated: 2026-01-01. Review status: criteria provided, single submitter. Criteria: CeGaT Center For Human Genetics Tuebingen Variant Classification Criteria Version 2. Collection method: clinical testing. Allele origin: germline. Affected: yes. Observed: 1 variant allele.
Comment: AFG2A: PM2, BP4

Blueprint Genetics
Classification: Uncertain significance. Last evaluated: 2022-10-31. Review status: criteria provided, single submitter. Criteria: ACMG Guidelines, 2015. Collection method: clinical testing. Allele origin: germline.

NM_145207.3(AFG2A):c.395A>G (p.Gln132Arg)

Gene: AFG2A (AAA ATPase AFG2A; plus strand). Cytogenetic location: 4q28.1.
Variant type: single nucleotide variant.
Coding change: c.395A>G on transcript NM_145207.3 (MANE Select); coding-DNA position 395, A replaced by G.
Protein change: p.Gln132Arg; replaces glutamine 132 with arginine.
Molecular consequence: missense variant.
Genome position (GRCh38, 1-based): chr4:122,929,146, A>G. VCF-style: chr4-122929146-A-G. GRCh37 (hg19) VCF-style: chr4-123850301-A-G.
Other names: c.392A>G, p.Gln131Arg (NM_001317799.2, NM_001345856.2, NM_001437913.1); c.395A>G, p.Gln132Arg (NM_001438322.1); short protein forms Q131R, Q132R.
Identifiers: ClinVar variation 4822510 (VCV004822510.5).